The following is an entry in ClinVar:

NM_001378418.1(TCF20):c.3689C>T (p.Ser1230Phe)

Gene: TCF20 (transcription factor 20; minus strand). Cytogenetic location: 22q13.2.
Variant type: single nucleotide variant.
Coding change: c.3689C>T on transcript NM_001378418.1 (MANE Select); coding-DNA position 3689, C replaced by T.
Protein change: p.Ser1230Phe; replaces serine 1230 with phenylalanine.
Molecular consequence: missense variant.
Genome position (GRCh38, 1-based): chr22:42,211,617, G>A on the plus strand (C>T on the coding strand, the complement: TCF20 is on the minus strand). VCF-style: chr22-42211617-G-A. GRCh37 (hg19) VCF-style: chr22-42607623-G-A.
Other names: c.3689C>T, p.Ser1230Phe (NM_005650.4, NM_181492.3); short protein forms S1230F.
Identifiers: ClinVar variation 4823009 (VCV004823009.4).

ClinVar aggregate classification (germline): Likely benign (1 of 4 stars; one submission).

gnomAD v4.1: 3 of 1,614,216 alleles (0.00019%); highest among the groups gnomAD compares: Admixed American, 0.005%; no homozygotes.

Submission:

CeGaT Center for Human Genetics Tuebingen
Classification: Likely benign. Last evaluated: 2026-01-01. Review status: criteria provided, single submitter. Criteria: CeGaT Center For Human Genetics Tuebingen Variant Classification Criteria Version 2. Collection method: clinical testing. Allele origin: germline. Affected: yes. Observed: 1 variant allele.
Comment: TCF20: BP4